The following is an entry in ClinVar:

NM_002905.5(RDH5):c.792G>A (p.Val264=)

Genes: RDH5 (retinol dehydrogenase 5; plus strand), BLOC1S1-RDH5 (BLOC1S1-RDH5 readthrough; plus strand), CD63 (CD63 molecule; minus strand). Cytogenetic location: 12q13.2.
Variant type: single nucleotide variant.
Coding change: c.792G>A on transcript NM_002905.5 (MANE Select); coding-DNA position 792, G replaced by A.
Protein change: p.Val264=; no amino-acid change (valine 264 retained).
Molecular consequence: synonymous variant. On other transcripts: non-coding transcript variant (1).
Genome position (GRCh38, 1-based): chr12:55,724,380, G>A. VCF-style: chr12-55724380-G-A. GRCh37 (hg19) VCF-style: chr12-56118164-G-A.
Other names: c.792G>A, p.Val264= (NM_001199771.3).
Identifiers: ClinVar variation 882946 (VCV000882946.11), dbSNP rs746999951, ClinGen allele CA6616959.
Genomic context (GRCh38, chr12:55,724,380, plus strand): 5'-AGACCTGAAAATGCAACAGCGCATCATGAACCTGATCTGTGACCCGGACCTAACCAAGGT[G>A]AGCCGATGCCTGGAGCATGCCCTGACTGCTCGACACCCCCGAACCCGCTACAGCCCAGGT-3'
Protein context (NP_002896.2, residues 254-274): NLICDPDLTK[Val264=]SRCLEHALTA

ClinVar aggregate classification (germline): Conflicting classifications of pathogenicity. Review status: criteria provided, conflicting classifications (1 of 4 stars). 2 submissions from 2 submitters: Uncertain significance (1); Likely benign (1). Last evaluated 2022-03-16.

Conditions:
Pigmentary retinal dystrophy. Also called: Fundus albipunctatus. Identifiers: Orphanet 227796, Orphanet 52427, MedGen C0311338, MONDO:0007639, OMIM 136880, HP:0030642.

Allele frequency attached by ClinVar (database versions not stated): ExAC 0.00001; gnomAD exomes 0.00001 and 0.00003; TOPMed 0.00002.
gnomAD v4.1: 44 of 1,614,204 alleles (0.0027%); highest among the groups gnomAD compares: Non-Finnish European, 0.0034%; no homozygotes.

Submissions (2):

Labcorp Genetics (formerly Invitae), Labcorp
Classification: Likely benign. Last evaluated: 2022-03-16. Review status: criteria provided, single submitter. Criteria: Invitae Variant Classification Sherloc (09022015). Collection method: clinical testing. Allele origin: germline.

Illumina Laboratory Services, Illumina
Classification: Uncertain significance for Pigmentary retinal dystrophy. Last evaluated: 2017-04-27. Review status: criteria provided, single submitter. Criteria: ICSL Variant Classification Criteria 13 December 2019. Collection method: clinical testing. Allele origin: germline.
Comment: This variant was observed as part of a predisposition screen in an ostensibly healthy population. A literature search was performed for the gene, cDNA change, and amino acid change (where applicable). Publications were found based on this search. However, the evidence from the literature, in combination with allele frequency data from public databases where available, was not sufficient to rule this variant in or out of causing disease. Therefore, this variant is classified as a variant of unknown significance.

Literature cited by the submitters: PubMed 11053296 (cited by Illumina Laboratory Services, Illumina).